The following is an entry in ClinVar:

ClinVar aggregate classification (germline): Uncertain significance (1 of 4 stars; one submission).

Submission:

Labcorp Genetics (formerly Invitae), Labcorp
Classification: Uncertain significance. Last evaluated: 2022-10-13. Review status: criteria provided, single submitter. Criteria: Invitae Variant Classification Sherloc (09022015). Collection method: clinical testing. Allele origin: germline.
Comment: This variant is not present in population databases (gnomAD no frequency). This sequence change affects a donor splice site in intron 4 of the SRP72 gene. It is expected to disrupt RNA splicing. Variants that disrupt the donor or acceptor splice site typically lead to a loss of protein function (PMID: 16199547), however the current clinical and genetic evidence is not sufficient to establish whether loss-of-function variants in SRP72 cause disease. This variant has not been reported in the literature in individuals affected with SRP72-related conditions. Algorithms developed to predict the effect of sequence changes on RNA splicing suggest that this variant may disrupt the consensus splice site. In summary, the available evidence is currently insufficient to determine the role of this variant in disease. Therefore, it has been classified as a Variant of Uncertain Significance.

Literature cited by the submitters: PubMed 16199547.

NM_006947.4(SRP72):c.498+1G>A

Gene: SRP72 (signal recognition particle 72; plus strand). Cytogenetic location: 4q12.
Variant type: single nucleotide variant.
Coding change: c.498+1G>A on transcript NM_006947.4 (MANE Select); the canonical splice donor site of the intron after coding-DNA position 498, G replaced by A.
Molecular consequence: splice donor variant.
Genome position (GRCh38, 1-based): chr4:56,474,198, G>A. VCF-style: chr4-56474198-G-A. GRCh37 (hg19) VCF-style: chr4-57340364-G-A.
Other names: c.498+1G>A (NM_001267722.2).
Identifiers: ClinVar variation 2028745 (VCV002028745.4), dbSNP rs2545749526, ClinGen allele CA356996621.
Genomic context (GRCh38, chr4:56,474,198, plus strand): 5'-AGGAAAACAAACCTTTCAGCAGTTGTTGCAGCTCAAAGCAATTGGGAAAAAGTGGTTCCA[G>A]TGAGTATCCTTGTGGTGTACCCATACAGTCATGAATTATTATTCATATTTAGTATTTAAC-3'